The following is an entry in ClinVar:

ClinVar aggregate classification (germline): Uncertain significance. Review status: criteria provided, multiple submitters, no conflicts (2 of 4 stars). 2 submissions from 2 submitters: Uncertain significance (2). Last evaluated 2024-02-26.

Conditions:
Hereditary pancreatitis (PCTT). Also called: PRSS1-Related Hereditary Pancreatitis; Hereditary chronic pancreatitis. Identifiers: Orphanet 676, MedGen C0238339, MONDO:0008185, OMIM 167800.

Allele frequency attached by ClinVar (database versions not stated): gnomAD exomes 0.00002; ExAC 0.00003.
gnomAD v4.1: 16 of 1,613,648 alleles (0.00099%); highest among the groups gnomAD compares: Non-Finnish European, 0.00093%; no homozygotes.

Submissions (2):

Ambry Genetics
Classification: Uncertain significance for Hereditary pancreatitis. Last evaluated: 2024-02-26. Review status: criteria provided, single submitter. Criteria: Ambry Variant Classification Scheme 2023. Collection method: clinical testing. Allele origin: germline.
Comment: The p.K38N variant (also known as c.114G>C), located in coding exon 2 of the CPA1 gene, results from a G to C substitution at nucleotide position 114. The lysine at codon 38 is replaced by asparagine, an amino acid with similar properties. This amino acid position is not well conserved in available vertebrate species. In addition, this alteration is predicted to be tolerated by in silico analysis. Since supporting evidence is limited at this time, the clinical significance of this alteration remains unclear.

Labcorp Genetics (formerly Invitae), Labcorp
Classification: Uncertain significance. Last evaluated: 2022-01-27. Review status: criteria provided, single submitter. Criteria: Invitae Variant Classification Sherloc (09022015). Collection method: clinical testing. Allele origin: germline.
Comment: In summary, the available evidence is currently insufficient to determine the role of this variant in disease. Therefore, it has been classified as a Variant of Uncertain Significance. Algorithms developed to predict the effect of missense changes on protein structure and function are either unavailable or do not agree on the potential impact of this missense change (SIFT: "Tolerated"; PolyPhen-2: "Possibly Damaging"; Align-GVGD: "Class C0"). This variant has not been reported in the literature in individuals affected with CPA1-related conditions. This variant is present in population databases (rs782393347, gnomAD 0.01%). This sequence change replaces lysine, which is basic and polar, with asparagine, which is neutral and polar, at codon 38 of the CPA1 protein (p.Lys38Asn).

NM_001868.4(CPA1):c.114G>C (p.Lys38Asn)

Gene: CPA1 (carboxypeptidase A1; plus strand). Cytogenetic location: 7q32.2.
Variant type: single nucleotide variant.
Coding change: c.114G>C on transcript NM_001868.4 (MANE Select); coding-DNA position 114, G replaced by C.
Protein change: p.Lys38Asn; replaces lysine 38 with asparagine.
Molecular consequence: missense variant.
Genome position (GRCh38, 1-based): chr7:130,381,146, G>C. VCF-style: chr7-130381146-G-C. GRCh37 (hg19) VCF-style: chr7-130020987-G-C.
Other names: short protein forms K38N.
Identifiers: ClinVar variation 1404147 (VCV001404147.10), dbSNP rs782393347, ClinGen allele CA4484679.